The following is an entry in ClinVar:

ClinVar aggregate classification (germline): Uncertain significance (1 of 4 stars; one submission).

Conditions:
Isolated microphthalmia 5. Also called: Posterior Microphthalmia with Retinitis Pigmentosa, Foveoschisis, and Optic Disc Drusen. Identifiers: Orphanet 251279, MedGen C1970236, MONDO:0012605, OMIM 611040.

Allele frequency attached by ClinVar (database versions not stated): gnomAD exomes below 0.00001 and 0.00002; ExAC 0.00001; gnomAD 0.00001; 1000 Genomes Project 0.00020; 1000 Genomes Project 30x 0.00031.
gnomAD v4.1: 7 of 1,612,980 alleles (0.00043%); highest among the groups gnomAD compares: East Asian, 0.016%; no homozygotes.

Submission:

Labcorp Genetics (formerly Invitae), Labcorp
Classification: Uncertain significance for Isolated microphthalmia 5. Last evaluated: 2021-01-14. Review status: criteria provided, single submitter. Criteria: Invitae Variant Classification Sherloc (09022015). Collection method: clinical testing. Allele origin: germline.
Comment: This sequence change replaces glutamic acid with alanine at codon 544 of the MFRP protein (p.Glu544Ala). The glutamic acid residue is moderately conserved and there is a moderate physicochemical difference between glutamic acid and alanine. This variant is present in population databases (rs571065402, ExAC 0.01%). This variant has not been reported in the literature in individuals with MFRP-related conditions. Algorithms developed to predict the effect of missense changes on protein structure and function (SIFT, PolyPhen-2, Align-GVGD) all suggest that this variant is likely to be tolerated, but these predictions have not been confirmed by published functional studies and their clinical significance is uncertain. In summary, the available evidence is currently insufficient to determine the role of this variant in disease. Therefore, it has been classified as a Variant of Uncertain Significance.

NM_031433.4(MFRP):c.1631A>C (p.Glu544Ala)

Genes: C1QTNF5 (C1q and TNF related 5; minus strand), MFRP (membrane frizzled-related protein; minus strand). Cytogenetic location: 11q23.3.
Variant type: single nucleotide variant.
Coding change: c.1631A>C on transcript NM_031433.4 (MANE Select); coding-DNA position 1631, A replaced by C.
Protein change: p.Glu544Ala; replaces glutamic acid 544 with alanine.
Molecular consequence: missense variant. On other transcripts: 5 prime UTR variant (1).
Genome position (GRCh38, 1-based): chr11:119,341,657, T>G on the plus strand (A>C on the coding strand, the complement: MFRP is on the minus strand). VCF-style: chr11-119341657-T-G. GRCh37 (hg19) VCF-style: chr11-119212367-T-G.
Other names: c.-1006A>C (NM_015645.5); short protein forms E544A.
Identifiers: ClinVar variation 1438784 (VCV001438784.8), dbSNP rs571065402, ClinGen allele CA6320049.